The following is an entry in ClinVar:

NM_005862.3(STAG1):c.1229A>G (p.Asn410Ser)

Gene: STAG1 (STAG1 cohesin complex component; minus strand). Cytogenetic location: 3q22.3.
Variant type: single nucleotide variant.
Coding change: c.1229A>G on transcript NM_005862.3 (MANE Select); coding-DNA position 1229, A replaced by G.
Protein change: p.Asn410Ser; replaces asparagine 410 with serine.
Molecular consequence: missense variant.
Genome position (GRCh38, 1-based): chr3:136,464,965, T>C on the plus strand (A>G on the coding strand, the complement: STAG1 is on the minus strand). VCF-style: chr3-136464965-T-C. GRCh37 (hg19) VCF-style: chr3-136183807-T-C.
Other names: short protein forms N410S.
Identifiers: ClinVar variation 3962889 (VCV003962889.2).
Genomic context (GRCh38, chr3:136,464,965, plus strand): 5'-GCCACAGCAACAGGGCGATGTGCCGAGTACACCAAGTGGTAAACATTTTCACAGTCTTCA[T>C]TGGAAAGAGCTTCTTCACTTCCACTGAAAAATACAGAAAGTAACATCTGATCTAAAGCAA-3'
Protein context (NP_005853.2, residues 400-420): ILHGSEEALS[Asn410Ser]EDCENVYHLV

ClinVar aggregate classification (germline): Conflicting classifications of pathogenicity. Review status: criteria provided, conflicting classifications (1 of 4 stars). 2 submissions from 2 submitters: Uncertain significance (1); Likely benign (1). Last evaluated 2025-12-05.

Conditions:
Inborn genetic diseases. Identifiers: MedGen C0950123, MeSH D030342.

gnomAD v4.1: 55 of 1,609,852 alleles (0.0034%); highest among the groups gnomAD compares: African/African-American, 0.0067%; 1 homozygote.

Submissions (2):

Labcorp Genetics (formerly Invitae), Labcorp
Classification: Uncertain significance. Last evaluated: 2025-12-05. Review status: criteria provided, single submitter. Criteria: Invitae Variant Classification Sherloc (09022015). Collection method: clinical testing. Allele origin: germline.
Comment: This sequence change replaces asparagine, which is neutral and polar, with serine, which is neutral and polar, at codon 410 of the STAG1 protein (p.Asn410Ser). This variant is present in population databases (rs141146689, gnomAD 0.03%). This variant has not been reported in the literature in individuals affected with STAG1-related conditions. ClinVar contains an entry for this variant (Variation ID: 3962889). Invitae Evidence Modeling of protein sequence and biophysical properties (such as structural, functional, and spatial information, amino acid conservation, physicochemical variation, residue mobility, and thermodynamic stability) indicates that this missense variant is not expected to disrupt STAG1 protein function with a negative predictive value of 80%. In summary, the available evidence is currently insufficient to determine the role of this variant in disease. Therefore, it has been classified as a Variant of Uncertain Significance.

Ambry Genetics
Classification: Likely benign for Inborn genetic diseases. Last evaluated: 2025-05-26. Review status: criteria provided, single submitter. Criteria: Ambry Variant Classification Scheme 2023. Collection method: clinical testing. Allele origin: germline.